The following is an entry in ClinVar:

ClinVar aggregate classification (germline): Uncertain significance. Review status: criteria provided, multiple submitters, no conflicts (2 of 4 stars). 2 submissions from 2 submitters: Uncertain significance (2). Last evaluated 2025-07-13.

Allele frequency attached by ClinVar (database versions not stated): ExAC 0.00001; TOPMed 0.00003; gnomAD 0.00004; gnomAD exomes 0.00006.
gnomAD v4.1: 95 of 1,614,070 alleles (0.0059%); highest among the groups gnomAD compares: Non-Finnish European, 0.0078%; no homozygotes.

Submissions (2):

Ambry Genetics
Classification: Uncertain significance. Last evaluated: 2025-07-13. Review status: criteria provided, single submitter. Criteria: Ambry Variant Classification Scheme 2023. Collection method: clinical testing. Allele origin: germline.

Labcorp Genetics (formerly Invitae), Labcorp
Classification: Uncertain significance. Last evaluated: 2025-06-12. Review status: criteria provided, single submitter. Criteria: Invitae Variant Classification Sherloc (09022015). Collection method: clinical testing. Allele origin: germline.
Comment: This sequence change replaces cysteine, which is neutral and slightly polar, with arginine, which is basic and polar, at codon 119 of the NUP133 protein (p.Cys119Arg). This variant is present in population databases (rs752603659, gnomAD 0.004%). This variant has not been reported in the literature in individuals affected with NUP133-related conditions. ClinVar contains an entry for this variant (Variation ID: 2187182). An algorithm developed to predict the effect of missense changes on protein structure and function (PolyPhen-2) suggests that this variant is likely to be tolerated. In summary, the available evidence is currently insufficient to determine the role of this variant in disease. Therefore, it has been classified as a Variant of Uncertain Significance.

NM_018230.3(NUP133):c.355T>C (p.Cys119Arg)

Gene: NUP133 (nucleoporin 133; minus strand). Cytogenetic location: 1q42.13.
Variant type: single nucleotide variant.
Coding change: c.355T>C on transcript NM_018230.3 (MANE Select); coding-DNA position 355, T replaced by C.
Protein change: p.Cys119Arg; replaces cysteine 119 with arginine.
Molecular consequence: missense variant.
Genome position (GRCh38, 1-based): chr1:229,502,049, A>G on the plus strand (T>C on the coding strand, the complement: NUP133 is on the minus strand). VCF-style: chr1-229502049-A-G. GRCh37 (hg19) VCF-style: chr1-229637796-A-G.
Other names: c.355T>C (NM_018230.2); short protein forms C119R.
Identifiers: ClinVar variation 2187182 (VCV002187182.5), dbSNP rs752603659, ClinGen allele CA1443854.